The following is an entry in ClinVar:

ClinVar aggregate classification (germline): Uncertain significance (1 of 4 stars; one submission).

Submission:

GeneDx
Classification: Uncertain significance. Last evaluated: 2024-01-04. Review status: criteria provided, single submitter. Criteria: GeneDx Variant Classification Process June 2021. Collection method: clinical testing. Allele origin: germline. Affected: yes.
Comment: Not observed at significant frequency in large population cohorts (gnomAD); In silico analysis supports that this missense variant does not alter protein structure/function; Has not been previously published as pathogenic or benign to our knowledge

NM_032188.3(KAT8):c.280G>C (p.Val94Leu)

Gene: KAT8 (lysine acetyltransferase 8; plus strand). Cytogenetic location: 16p11.2.
Variant type: single nucleotide variant.
Coding change: c.280G>C on transcript NM_032188.3 (MANE Select); coding-DNA position 280, G replaced by C.
Protein change: p.Val94Leu; replaces valine 94 with leucine.
Molecular consequence: missense variant.
Genome position (GRCh38, 1-based): chr16:31,120,254, G>C. VCF-style: chr16-31120254-G-C. GRCh37 (hg19) VCF-style: chr16-31131575-G-C.
Other names: c.280G>C, p.Val94Leu (NM_182958.4); short protein forms V94L.
Identifiers: ClinVar variation 3367556 (VCV003367556.1).